The following is an entry in ClinVar:

NM_006767.4(LZTR1):c.1048C>A (p.Leu350Met)

Gene: LZTR1 (leucine zipper like post translational regulator 1; plus strand). Cytogenetic location: 22q11.21.
Variant type: single nucleotide variant.
Coding change: c.1048C>A on transcript NM_006767.4 (MANE Select); coding-DNA position 1048, C replaced by A.
Protein change: p.Leu350Met; replaces leucine 350 with methionine.
Molecular consequence: missense variant.
Genome position (GRCh38, 1-based): chr22:20,992,268, C>A. VCF-style: chr22-20992268-C-A. GRCh37 (hg19) VCF-style: chr22-21346557-C-A.
Other names: short protein forms L350M.
Identifiers: ClinVar variation 1775990 (VCV001775990.6), dbSNP rs199565862, ClinGen allele CA410781880.

ClinVar aggregate classification (germline): Conflicting classifications of pathogenicity. Review status: criteria provided, conflicting classifications (1 of 4 stars). 2 submissions from 2 submitters: Uncertain significance (1); Likely benign (1). Last evaluated 2025-08-26.

Conditions:
Cardiovascular phenotype. Identifiers: MedGen CN230736.
Hereditary cancer-predisposing syndrome. Also called: Neoplastic Syndromes, Hereditary; Tumor predisposition; Hereditary Cancer Syndrome; Hereditary neoplastic syndrome. Identifiers: Orphanet 140162, MedGen C0027672, MeSH D009386, MONDO:0015356.

Submissions (2):

Labcorp Genetics (formerly Invitae), Labcorp
Classification: Uncertain significance. Last evaluated: 2025-08-26. Review status: criteria provided, single submitter. Criteria: Invitae Variant Classification Sherloc (09022015). Collection method: clinical testing. Allele origin: germline.
Comment: This sequence change replaces leucine, which is neutral and non-polar, with methionine, which is neutral and non-polar, at codon 350 of the LZTR1 protein (p.Leu350Met). This variant is not present in population databases (gnomAD no frequency). This variant has not been reported in the literature in individuals affected with LZTR1-related conditions. ClinVar contains an entry for this variant (Variation ID: 1775990). Invitae Evidence Modeling of protein sequence and biophysical properties (such as structural, functional, and spatial information, amino acid conservation, physicochemical variation, residue mobility, and thermodynamic stability) indicates that this missense variant is not expected to disrupt LZTR1 protein function with a negative predictive value of 80%. In summary, the available evidence is currently insufficient to determine the role of this variant in disease. Therefore, it has been classified as a Variant of Uncertain Significance.

Ambry Genetics
Classification: Likely benign for Cardiovascular phenotype; Hereditary cancer-predisposing syndrome. Last evaluated: 2024-10-25. Review status: criteria provided, single submitter. Criteria: Ambry Variant Classification Scheme 2023. Collection method: clinical testing. Allele origin: germline.